The following is an entry in ClinVar:

ClinVar aggregate classification (germline): Uncertain significance (1 of 4 stars; one submission).

Allele frequency attached by ClinVar (database versions not stated): ExAC 0.00004; gnomAD exomes 0.00006; ESP Exome Variant Server 0.00008; TOPMed 0.00012; gnomAD 0.00023 and 0.00024.
gnomAD v4.1: 123 of 1,614,080 alleles (0.0076%); highest among the groups gnomAD compares: Admixed American, 0.065%; no homozygotes.

Submission:

Labcorp Genetics (formerly Invitae), Labcorp
Classification: Uncertain significance. Last evaluated: 2023-12-22. Review status: criteria provided, single submitter. Criteria: Invitae Variant Classification Sherloc (09022015). Collection method: clinical testing. Allele origin: germline.
Comment: This sequence change falls in intron 33 of the POLR1A gene. It does not directly change the encoded amino acid sequence of the POLR1A protein. It affects a nucleotide within the consensus splice site. This variant is present in population databases (rs376895759, gnomAD 0.02%). This variant has not been reported in the literature in individuals affected with POLR1A-related conditions. ClinVar contains an entry for this variant (Variation ID: 1450868). Variants that disrupt the consensus splice site are a relatively common cause of aberrant splicing (PMID: 17576681, 9536098). Algorithms developed to predict the effect of sequence changes on RNA splicing suggest that this variant may disrupt the consensus splice site. In summary, the available evidence is currently insufficient to determine the role of this variant in disease. Therefore, it has been classified as a Variant of Uncertain Significance.

Literature cited by the submitters: PubMed 17576681; PubMed 9536098.

NM_015425.6(POLR1A):c.5062+6T>C

Gene: POLR1A (RNA polymerase I subunit A; minus strand). Cytogenetic location: 2p11.2.
Variant type: single nucleotide variant.
Coding change: c.5062+6T>C on transcript NM_015425.6 (MANE Select); 6 bases into the intron after coding-DNA position 5062, T replaced by C.
Molecular consequence: intron variant.
Genome position (GRCh38, 1-based): chr2:86,027,879, A>G on the plus strand (T>C on the coding strand, the complement: POLR1A is on the minus strand). VCF-style: chr2-86027879-A-G. GRCh37 (hg19) VCF-style: chr2-86255002-A-G.
Identifiers: ClinVar variation 1450868 (VCV001450868.6), dbSNP rs376895759, ClinGen allele CA1745296.